The following is an entry in ClinVar:

ClinVar aggregate classification (germline): Uncertain significance (1 of 4 stars; one submission).

Conditions:
Hypertrophic cardiomyopathy 26. Also called: Cardiomyopathy, familial hypertrophic, 26. Identifiers: Orphanet 75249, MedGen C4310749, MONDO:0014883, OMIM 617047.
Myofibrillar myopathy 5. Also called: FILAMINOPATHY, AUTOSOMAL DOMINANT; Filaminopathy (type). Identifiers: Orphanet 171445, MedGen C1836050, MONDO:0012289, OMIM 609524.
Distal myopathy with posterior leg and anterior hand involvement. Also called: WILLIAMS DISTAL MYOPATHY. Identifiers: Orphanet 63273, MedGen C3279722, MONDO:0013550, OMIM 614065.

Submission:

Labcorp Genetics (formerly Invitae), Labcorp
Classification: Uncertain significance for Distal myopathy with posterior leg and anterior hand involvement; Myofibrillar myopathy 5; Hypertrophic cardiomyopathy 26. Last evaluated: 2023-06-03. Review status: criteria provided, single submitter. Criteria: Invitae Variant Classification Sherloc (09022015). Collection method: clinical testing. Allele origin: germline.
Comment: This sequence change replaces glycine, which is neutral and non-polar, with arginine, which is basic and polar, at codon 1687 of the FLNC protein (p.Gly1687Arg). In summary, the available evidence is currently insufficient to determine the role of this variant in disease. Therefore, it has been classified as a Variant of Uncertain Significance. Algorithms developed to predict the effect of sequence changes on RNA splicing suggest that this variant may create or strengthen a splice site. Advanced modeling of protein sequence and biophysical properties (such as structural, functional, and spatial information, amino acid conservation, physicochemical variation, residue mobility, and thermodynamic stability) has been performed at Invitae for this missense variant, however the output from this modeling did not meet the statistical confidence thresholds required to predict the impact of this variant on FLNC protein function. ClinVar contains an entry for this variant (Variation ID: 958019). This variant has not been reported in the literature in individuals affected with FLNC-related conditions. This variant is not present in population databases (gnomAD no frequency).

NM_001458.5(FLNC):c.5059G>A (p.Gly1687Arg)

Gene: FLNC (filamin C; plus strand). Cytogenetic location: 7q32.1.
Variant type: single nucleotide variant.
Coding change: c.5059G>A on transcript NM_001458.5 (MANE Select); coding-DNA position 5059, G replaced by A.
Protein change: p.Gly1687Arg; replaces glycine 1687 with arginine.
Molecular consequence: missense variant.
Genome position (GRCh38, 1-based): chr7:128,849,438, G>A. VCF-style: chr7-128849438-G-A. GRCh37 (hg19) VCF-style: chr7-128489492-G-A.
Other names: c.5059G>A, p.Gly1687Arg (NM_001127487.2); short protein forms G1687R.
Identifiers: ClinVar variation 958019 (VCV000958019.10), dbSNP rs1808713041, ClinGen allele CA369204085.